The following is an entry in ClinVar:

NC_000007.13:g.(?_117176582)_(117182182_?)del

Gene: CFTR (CF transmembrane conductance regulator; plus strand). Cytogenetic location: 7q31.2.
Variant type: Deletion.
Identifiers: ClinVar variation 3245683 (VCV003245683.1).

ClinVar aggregate classification (germline): Pathogenic (1 of 4 stars; one submission).

Conditions:
Cystic fibrosis (CF). Also called: MUCOVISCIDOSIS. Identifiers: Orphanet 586, MedGen C0010674, MONDO:0009061, OMIM 219700. Disease mechanism: loss of function.

Submission:

Labcorp Genetics (formerly Invitae), Labcorp
Classification: Pathogenic for Cystic fibrosis. Last evaluated: 2023-08-14. Review status: criteria provided, single submitter. Criteria: Invitae Variant Classification Sherloc (09022015). Collection method: clinical testing. Allele origin: unknown.
Comment: This variant is a gross deletion of the genomic region encompassing exon(s) 7-9 of the CFTR gene. This deletion is out-of-frame, and is expected to create a premature termination codon and result in an absent or disrupted protein product. Loss-of-function variants in CFTR are known to be pathogenic (PMID: 1695717, 7691345, 9725922). This variant has not been reported in the literature in individuals affected with CFTR-related conditions. For these reasons, this variant has been classified as Pathogenic.

Literature cited by the submitters: PubMed 1695717; PubMed 7691345; PubMed 9725922.